The following is an entry in ClinVar:

NC_000003.11:g.(?_128199862)_(128200787_?)del

Gene: GATA2 (GATA binding protein 2; minus strand). Cytogenetic location: 3q21.3.
Variant type: Deletion.
Identifiers: ClinVar variation 1184019 (VCV001184019.1).

ClinVar aggregate classification (germline): Pathogenic (1 of 4 stars; one submission).

Conditions:
Deafness-lymphedema-leukemia syndrome. Also called: Emberger syndrome; Lymphedema, primary, with myelodysplasia. Identifiers: Orphanet 3226, MedGen C3279664, MONDO:0013540, OMIM 614038.
GATA2 deficiency with susceptibility to MDS/AML. Identifiers: MedGen CN300066, MONDO:0042982.

Submission:

Molecular Pathology Research Laboratory, SA Pathology
Classification: Pathogenic for GATA2 deficiency with susceptibility to MDS/AML; Deafness-lymphedema-leukemia syndrome. Last evaluated: 2021-07-06. Review status: criteria provided, single submitter. Criteria: ACMG Guidelines, 2015. Collection method: curation. Allele origin: germline. Inheritance: Autosomal dominant inheritance. Affected: yes. Observed: 1 variant allele.
Comment: PVS1, PS4_Supporting, PM2

Literature cited by the submitters: PubMed 29680795.